The following is an entry in ClinVar:

ClinVar aggregate classification (germline): Conflicting classifications of pathogenicity. Review status: criteria provided, conflicting classifications (1 of 4 stars). 2 submissions from 2 submitters: Likely pathogenic (1); Uncertain significance (1). Last evaluated 2026-04-01.

Conditions:
Hyperphosphatasia with impaired intellectual development syndrome 1. Also called: Hyperphosphatasia with intellectual disability syndrome 1; MABRY SYNDROME; GLYCOSYLPHOSPHATIDYLINOSITOL BIOSYNTHESIS DEFECT 2. Identifiers: Orphanet 247262, MedGen C4551502, MONDO:0009398, OMIM 239300.

Allele frequency attached by ClinVar (database versions not stated): TOPMed below 0.00001; gnomAD exomes below 0.00001.
gnomAD v4.1: 1 of 1,614,224 alleles (0.000062%); highest among the groups gnomAD compares: Non-Finnish European, 0.000085%; no homozygotes.

Submissions (2):

CeGaT Center for Human Genetics Tuebingen
Classification: Likely pathogenic. Last evaluated: 2026-04-01. Review status: criteria provided, single submitter. Criteria: CeGaT Center For Human Genetics Tuebingen Variant Classification Criteria Version 2. Collection method: clinical testing. Allele origin: germline. Affected: yes. Observed: 2 variant alleles.
Comment: PIGV: PM2, PM3, PP3, PP4

Illumina Laboratory Services, Illumina
Classification: Uncertain significance for Hyperphosphatasia with impaired intellectual development syndrome 1. Last evaluated: 2018-01-13. Review status: criteria provided, single submitter. Criteria: ICSL Variant Classification Criteria 13 December 2019. Collection method: clinical testing. Allele origin: germline.

NM_017837.4(PIGV):c.265C>T (p.Pro89Ser)

Gene: PIGV (phosphatidylinositol glycan anchor biosynthesis class V; plus strand). Cytogenetic location: 1p36.11.
Variant type: single nucleotide variant.
Coding change: c.265C>T on transcript NM_017837.4 (MANE Select); coding-DNA position 265, C replaced by T.
Protein change: p.Pro89Ser; replaces proline 89 with serine.
Molecular consequence: missense variant. On other transcripts: intron variant (3), 5 prime UTR variant (1), non-coding transcript variant (1).
Genome position (GRCh38, 1-based): chr1:26,794,299, C>T. VCF-style: chr1-26794299-C-T. GRCh37 (hg19) VCF-style: chr1-27120790-C-T.
Other names: c.79-3264C>T (NM_001374486.1); c.172+93C>T (NM_001374485.1, NM_001374484.1); c.265C>T, p.Pro89Ser (NM_001202554.2, NM_001374478.1, NM_001374482.1 and 2 more transcripts); c.-117C>T (NM_001374483.1); short protein forms P89S.
Identifiers: ClinVar variation 873723 (VCV000873723.11), dbSNP rs2081350228, ClinGen allele CA339199205.